The following is an entry in ClinVar:

ClinVar aggregate classification (germline): Conflicting classifications of pathogenicity. Review status: criteria provided, conflicting classifications (1 of 4 stars). 4 submissions from 4 submitters: Uncertain significance (1); Likely benign (3). Last evaluated 2025-12-08.

Conditions:
Spastic paraplegia. Identifiers: MedGen C0037772, HP:0001258.
Hereditary spastic paraplegia 10 (SPG10). Also called: SPASTIC PARAPLEGIA 10, AUTOSOMAL DOMINANT; SPASTIC PARAPLEGIA 10 WITH OR WITHOUT PERIPHERAL NEUROPATHY; SPASTIC PARAPLEGIA 10 WITH PERIPHERAL NEUROPATHY. Identifiers: Orphanet 100991, MedGen C1858712, MONDO:0011408, OMIM 604187.
KIF5A-related disorder. Also called: KIF5A-related disorders; KIF5A-related condition.

Allele frequency attached by ClinVar (database versions not stated): gnomAD exomes 0.00003; TOPMed 0.00004; gnomAD 0.00010.
gnomAD v4.1: 63 of 1,614,010 alleles (0.0039%); highest among the groups gnomAD compares: East Asian, 0.029%; 1 homozygote.

Submissions (4):

Labcorp Genetics (formerly Invitae), Labcorp
Classification: Likely benign for Spastic paraplegia. Last evaluated: 2025-12-08. Review status: criteria provided, single submitter. Criteria: Invitae Variant Classification Sherloc (09022015). Collection method: clinical testing. Allele origin: germline.

PreventionGenetics, part of Exact Sciences
Classification: Likely benign for KIF5A-related condition. Last evaluated: 2024-10-14. Review status: criteria provided, single submitter. Criteria: ACMG Guidelines, 2015. Collection method: clinical testing. Allele origin: germline.
Comment: This variant is classified as likely benign based on ACMG/AMP sequence variant interpretation guidelines (Richards et al. 2015 PMID: 25741868, with internal and published modifications).

ARUP Laboratories, Molecular Genetics and Genomics, ARUP Laboratories
Classification: Uncertain significance. Last evaluated: 2023-10-26. Review status: criteria provided, single submitter. Criteria: ARUP Molecular Germline Variant Investigation Process 2024. Collection method: clinical testing. Allele origin: germline.
Comment: The KIF5A c.1932G>A, p.Thr644Thr variant (rs370644634), to our knowledge, has not been reported in the medical literature; however, this variant is listed in the ClinVar database (Variation ID: 309941). This variant is found in the general population with an overall allele frequency of 0.003% (10/282,866 alleles) in the Genome Aggregation Database. This variant does not alter the primary amino acid sequence of KIF5A; however, splice site prediction algorithms predict this variant may activate a cryptic splice acceptor. Although, without functional evidence, such predictions are not sufficient to assign pathogenicity. Thus, based on the available information, the clinical significance of this variant is uncertain.

Illumina Laboratory Services, Illumina
Classification: Likely benign for Hereditary spastic paraplegia 10. Last evaluated: 2018-01-13. Review status: criteria provided, single submitter. Criteria: ICSL Variant Classification Criteria 13 December 2019. Collection method: clinical testing. Allele origin: germline.
Comment: This variant was observed in the ICSL laboratory as part of a predisposition screen in an ostensibly healthy population. It had not been previously curated by ICSL or reported in the Human Gene Mutation Database (HGMD: prior to June 1st, 2018), and was therefore a candidate for classification through an automated scoring system. Utilizing variant allele frequency, disease prevalence and penetrance estimates, and inheritance mode, an automated score was calculated to assess if this variant is too frequent to cause the disease. Based on the score and internal cut-off values, a variant classified as likely benign is not then subjected to further curation. The score for this variant resulted in a classification of likely benign for this disease.

NM_004984.4(KIF5A):c.1932G>A (p.Thr644=)

Gene: KIF5A (kinesin family member 5A; plus strand). Cytogenetic location: 12q13.3.
Variant type: single nucleotide variant.
Coding change: c.1932G>A on transcript NM_004984.4 (MANE Select); coding-DNA position 1932, G replaced by A.
Protein change: p.Thr644=; no amino-acid change (threonine 644 retained).
Molecular consequence: synonymous variant.
Genome position (GRCh38, 1-based): chr12:57,575,666, G>A. VCF-style: chr12-57575666-G-A. GRCh37 (hg19) VCF-style: chr12-57969449-G-A.
Other names: c.1665G>A, p.Thr555= (NM_001354705.2).
Identifiers: ClinVar variation 309941 (VCV000309941.22), dbSNP rs370644634, ClinGen allele CA6652946.
Genomic context (GRCh38, chr12:57,575,666, plus strand): 5'-CATCTTCTTCCTCTCACCAACTTTCTCCCACCAGCATGAGGCCAAGATCCGCTCGCTTAC[G>A]GAATACATGCAGAGCGTGGAGCTAAAGAAGCGGCACCTGGAAGAGTCCTATGACTCCTTG-3'
Protein context (NP_004975.2, residues 634-654): SQHEAKIRSL[Thr644=]EYMQSVELKK